The following is an entry in ClinVar:

ClinVar aggregate classification (germline): Likely benign (0 of 4 stars; one submission).

Conditions:
SEMA3F-related disorder. Also called: SEMA3F-related condition.

Submission:

PreventionGenetics, part of Exact Sciences
Classification: Likely benign for SEMA3F-related condition. Last evaluated: 2023-12-27. Review status: no assertion criteria provided. Collection method: clinical testing. Allele origin: germline.
Comment: This variant is classified as likely benign based on ACMG/AMP sequence variant interpretation guidelines (Richards et al. 2015 PMID: 25741868, with internal and published modifications).

NM_004186.5(SEMA3F):c.904-3dup

Gene: SEMA3F (semaphorin 3F; plus strand). Cytogenetic location: 3p21.31.
Variant type: Duplication.
Coding change: c.904-3dup on transcript NM_004186.5 (MANE Select); 3 bases into the intron before coding-DNA position 904, one base duplicated (C; older notation c.904-3dupC).
Molecular consequence: intron variant.
Genome position (GRCh38, 1-based): chr3:50,182,901, C duplicated; the last of 6 consecutive C bases (chr3:50,182,896-50,182,901); duplicating any one gives the same sequence. VCF-style (leftmost placement, unchanged base first): chr3-50182895-A-AC. GRCh37 (hg19) VCF-style: chr3-50220328-A-AC.
Other names: c.607-3dup (NM_001318798.2); c.811-3dup (NM_001318800.2).
Identifiers: ClinVar variation 3348204 (VCV003348204.1).